The following is an entry in ClinVar:

ClinVar aggregate classification (germline): Uncertain significance. Review status: criteria provided, multiple submitters, no conflicts (2 of 4 stars). 4 submissions from 4 submitters: Uncertain significance (3). 1 of the submissions does not count toward it. Last evaluated 2023-04-19.

Conditions:
BBS9-related disorder. Also called: BBS9-related condition.
Bardet-Biedl syndrome (BBS). Identifiers: Orphanet 110, MedGen C0752166, MONDO:0015229.
Inborn genetic diseases. Identifiers: MedGen C0950123, MeSH D030342.
Bardet-Biedl syndrome 9 (BBS9). Identifiers: Orphanet 110, MedGen C1859567, MONDO:0014437, OMIM 615986.

Allele frequency attached by ClinVar (database versions not stated): gnomAD exomes below 0.00001 and 0.00004; gnomAD 0.00002; TOPMed 0.00004.
gnomAD v4.1: 57 of 1,607,484 alleles (0.0035%); highest among the groups gnomAD compares: Non-Finnish European, 0.0047%; no homozygotes.

Submissions (4):

Ambry Genetics
Classification: Uncertain significance for Inborn genetic diseases. Last evaluated: 2023-04-19. Review status: criteria provided, single submitter. Criteria: Ambry Variant Classification Scheme 2023. Collection method: clinical testing. Allele origin: germline.

Fulgent Genetics
Classification: Uncertain significance for Bardet-Biedl syndrome 9. Last evaluated: 2022-03-11. Review status: criteria provided, single submitter. Criteria: ACMG Guidelines, 2015. Collection method: clinical testing. Allele origin: unknown.

Labcorp Genetics (formerly Invitae), Labcorp
Classification: Uncertain significance for Bardet-Biedl syndrome. Last evaluated: 2021-08-31. Review status: criteria provided, single submitter. Criteria: Invitae Variant Classification Sherloc (09022015). Collection method: clinical testing. Allele origin: germline.
Comment: This sequence change replaces leucine with serine at codon 112 of the BBS9 protein (p.Leu112Ser). The leucine residue is highly conserved and there is a large physicochemical difference between leucine and serine. This variant is not present in population databases (ExAC no frequency). This variant has not been reported in the literature in individuals affected with BBS9-related conditions. Algorithms developed to predict the effect of missense changes on protein structure and function are either unavailable or do not agree on the potential impact of this missense change (SIFT: "Deleterious"; PolyPhen-2: "Benign"; Align-GVGD: "Class C65"). In summary, the available evidence is currently insufficient to determine the role of this variant in disease. Therefore, it has been classified as a Variant of Uncertain Significance.

PreventionGenetics, part of Exact Sciences
Classification: Uncertain significance for BBS9-related condition. Last evaluated: 2024-08-06. Review status: no assertion criteria provided. Collection method: clinical testing. Allele origin: germline. Not counted in ClinVar's aggregate classification.
Comment: The BBS9 c.335T>C variant is predicted to result in the amino acid substitution p.Leu112Ser. To our knowledge, this variant has not been reported in the literature. This variant is reported in 0.0016% of alleles in individuals of European (Non-Finnish) descent in gnomAD. At this time, the clinical significance of this variant is uncertain due to the absence of conclusive functional and genetic evidence.

NM_198428.3(BBS9):c.335T>C (p.Leu112Ser)

Gene: BBS9 (Bardet-Biedl syndrome 9; plus strand). Cytogenetic location: 7p14.3.
Variant type: single nucleotide variant.
Coding change: c.335T>C on transcript NM_198428.3 (MANE Select); coding-DNA position 335, T replaced by C.
Protein change: p.Leu112Ser; replaces leucine 112 with serine.
Molecular consequence: missense variant. On other transcripts: 5 prime UTR variant (4), non-coding transcript variant (3).
Genome position (GRCh38, 1-based): chr7:33,177,484, T>C. VCF-style: chr7-33177484-T-C. GRCh37 (hg19) VCF-style: chr7-33217096-T-C.
Other names: c.335T>C (NM_198428.2); c.335T>C, p.Leu112Ser (NM_001033604.2, NM_001033605.2, NM_001348036.1 and 5 more transcripts); c.-32T>C (NM_001348037.3, NM_001348044.3, NM_001348045.3 and 1 more transcripts); c.62T>C, p.Leu21Ser (NM_001348038.3, NM_001348039.3); c.200T>C, p.Leu67Ser (NM_001348042.3); short protein forms L67S, L112S, L21S.
Identifiers: ClinVar variation 1395850 (VCV001395850.9), dbSNP rs904098347, ClinGen allele CA156709868.